The following is an entry in ClinVar:

ClinVar aggregate classification (germline): Uncertain significance (1 of 4 stars; one submission).

gnomAD v4.1: 1 of 1,613,388 alleles (0.000062%); highest among the groups gnomAD compares: Non-Finnish European, 0.000085%; no homozygotes.

Submission:

GeneDx
Classification: Uncertain significance. Last evaluated: 2026-04-16. Review status: criteria provided, single submitter. Criteria: GeneDx Variant Classification Process June 2021. Collection method: clinical testing. Allele origin: germline.
Comment: Not observed at significant frequency in large population cohorts (gnomAD); In silico analysis suggests that this missense variant does not alter protein structure/function; Has not been previously published as pathogenic or benign to our knowledge

NM_001519.4(BRF1):c.1686G>C (p.Glu562Asp)

Gene: BRF1 (BRF1 general transcription factor IIIB subunit; minus strand). Cytogenetic location: 14q32.33.
Variant type: single nucleotide variant.
Coding change: c.1686G>C on transcript NM_001519.4 (MANE Select); coding-DNA position 1686, G replaced by C.
Protein change: p.Glu562Asp; replaces glutamic acid 562 with aspartic acid.
Molecular consequence: missense variant.
Genome position (GRCh38, 1-based): chr14:105,217,630, C>G on the plus strand (G>C on the coding strand, the complement: BRF1 is on the minus strand). VCF-style: chr14-105217630-C-G. GRCh37 (hg19) VCF-style: chr14-105683967-C-G.
Other names: c.1173G>C, p.Glu391Asp (NM_001440452.1); c.1170G>C, p.Glu390Asp (NM_001440453.1); c.1020G>C, p.Glu340Asp (NM_001440454.1); c.1074G>C, p.Glu358Asp (NM_145685.3); c.1407G>C, p.Glu469Asp (NM_001242786.2); c.1341G>C, p.Glu447Asp (NM_001242787.2); c.1605G>C, p.Glu535Asp (NM_001242788.2); c.972G>C, p.Glu324Asp (NM_001242789.2); and 3 more; short protein forms E324D, E340D, E358D, E390D, E391D, E397D, E447D, E469D.
Identifiers: ClinVar variation 5037349 (VCV005037349.1).